The following is an entry in ClinVar:

ClinVar aggregate classification (germline): Uncertain significance. Review status: criteria provided, multiple submitters, no conflicts (2 of 4 stars). 4 submissions from 4 submitters: Uncertain significance (3). 1 of the submissions does not count toward it. Last evaluated 2025-09-15.

Conditions:
Renal hypomagnesemia 4. Also called: HYPOMAGNESEMIA, RENAL, NORMOCALCIURIC. Identifiers: Orphanet 34527, MedGen C2673648, MONDO:0012717, OMIM 611718.
Hereditary renal cell carcinoma. Identifiers: MedGen C2608055, MONDO:0003008.

Allele frequency attached by ClinVar (database versions not stated): ESP Exome Variant Server 0.00008; gnomAD 0.00014 and 0.00015; TOPMed 0.00015; gnomAD exomes 0.00024 and 0.00027; ExAC 0.00026.
gnomAD v4.1: 378 of 1,613,854 alleles (0.023%); highest among the groups gnomAD compares: South Asian, 0.096%; 1 homozygote.

Submissions (4):

Labcorp Genetics (formerly Invitae), Labcorp
Classification: Uncertain significance. Last evaluated: 2025-09-15. Review status: criteria provided, single submitter. Criteria: Invitae Variant Classification Sherloc (09022015). Collection method: clinical testing. Allele origin: germline.
Comment: This sequence change replaces serine, which is neutral and polar, with threonine, which is neutral and polar, at codon 16 of the EGF protein (p.Ser16Thr). This variant is present in population databases (rs200394315, gnomAD 0.1%), and has an allele count higher than expected for a pathogenic variant. This variant has not been reported in the literature in individuals affected with EGF-related conditions. ClinVar contains an entry for this variant (Variation ID: 347225). An algorithm developed to predict the effect of missense changes on protein structure and function (PolyPhen-2) suggests that this variant is likely to be tolerated. Algorithms developed to predict the effect of sequence changes on RNA splicing suggest that this variant may create or strengthen a splice site. In summary, the available evidence is currently insufficient to determine the role of this variant in disease. Therefore, it has been classified as a Variant of Uncertain Significance.

Mayo Clinic Laboratories, Mayo Clinic
Classification: Uncertain significance. Last evaluated: 2024-01-17. Review status: criteria provided, single submitter. Criteria: ACMG Guidelines, 2015. Collection method: clinical testing. Allele origin: germline. Observed: 1 variant allele.
Comment: BP4

Illumina Laboratory Services, Illumina
Classification: Uncertain significance for Renal hypomagnesemia 4. Last evaluated: 2018-01-12. Review status: criteria provided, single submitter. Criteria: ICSL Variant Classification Criteria 13 December 2019. Collection method: clinical testing. Allele origin: germline.

Arora Lab, Fox Chase Cancer Center
Classification: Uncertain significance for Hereditary renal cell carcinoma. Last evaluated: 2018-02-26. Review status: no assertion criteria provided. Collection method: research. Allele origin: germline. Affected: yes. Observed: 1 variant allele, 1 heterozygote. Not counted in ClinVar's aggregate classification.
Comment: In InterVar, the variant is classified as PP2 (supporting pathogenic) for missense in a gene that has a low rate in benign missense variation, and in which missense variants are a common mechanism of disease. In the GnomAD database (Lek et al. 2016), this variant is overrepresented in the Ashkenazi Jewish population with an allele count of 15/10146 versus 69/276870 in the total population. Other variations of residue include Ser16Arg (1303/276890 with over-representation in East Asian and European Finnish) and Ser16Asn (1 case). Based on Signal 4.0, NCBI describes the pre-protein (reference sequence NP_001954.2) as comprising a signal peptide (SP) at amino acids 1-14. In contrast, UniProt for reference sequence P0113 indicates a cleavage of a signal sequence after amino acid 22. For both predictions, an amino acid change at residue 16 plausibly affects insertion of the pro-EGF precursor into the ER, and hence levels of secretion. No evidence of pathogenicity is reported so this variant is interpreted as VUS.

NM_001963.6(EGF):c.47G>C (p.Ser16Thr)

Gene: EGF (epidermal growth factor; plus strand). Cytogenetic location: 4q25.
Variant type: single nucleotide variant.
Coding change: c.47G>C on transcript NM_001963.6 (MANE Select); coding-DNA position 47, G replaced by C.
Protein change: p.Ser16Thr; replaces serine 16 with threonine.
Molecular consequence: missense variant.
Genome position (GRCh38, 1-based): chr4:109,913,382, G>C. VCF-style: chr4-109913382-G-C. GRCh37 (hg19) VCF-style: chr4-110834538-G-C.
Other names: p.Ser16Thr; c.47G>C, p.Ser16Thr (NM_001178130.3, NM_001178131.3, NM_001357021.2); short protein forms S16T.
Identifiers: ClinVar variation 347225 (VCV000347225.10), dbSNP rs200394315, ClinGen allele CA3043329.